The following is an entry in ClinVar:

NM_001370259.2(MEN1):c.917T>C (p.Ile306Thr)

Gene: MEN1 (menin 1; minus strand). Cytogenetic location: 11q13.1.
Variant type: single nucleotide variant.
Coding change: c.917T>C on transcript NM_001370259.2 (MANE Select); coding-DNA position 917, T replaced by C.
Protein change: p.Ile306Thr; replaces isoleucine 306 with threonine.
Molecular consequence: missense variant. On other transcripts: non-coding transcript variant (4).
Genome position (GRCh38, 1-based): chr11:64,806,364, A>G on the plus strand (T>C on the coding strand, the complement: MEN1 is on the minus strand). VCF-style: chr11-64806364-A-G. GRCh37 (hg19) VCF-style: chr11-64573836-A-G.
Other names: c.917T>C, p.Ile306Thr (NM_001407146.1, NM_001407147.1, NM_001407152.1 and 7 more transcripts); c.812T>C, p.Ile271Thr (NM_001407148.1, NM_001407149.1, NM_001407151.1 and 2 more transcripts); c.932T>C, p.Ile311Thr (NM_130800.3, NM_001407150.1, NM_130801.3 and 5 more transcripts); short protein forms I306T, I311T, I271T.
Identifiers: ClinVar variation 3698872 (VCV003698872.2).

ClinVar aggregate classification (germline): Uncertain significance (1 of 4 stars; one submission).

Conditions:
Multiple endocrine neoplasia, type 1 (MEN1). Also called: MEN I; WERMER SYNDROME; Endocrine adenomatosis multiple; MEN 1; MEA I. Identifiers: Orphanet 652, MedGen C0025267, MeSH D018761, MONDO:0007540, OMIM 131100.

Submission:

Labcorp Genetics (formerly Invitae), Labcorp
Classification: Uncertain significance for Multiple endocrine neoplasia, type 1. Last evaluated: 2024-09-18. Review status: criteria provided, single submitter. Criteria: Invitae Variant Classification Sherloc (09022015). Collection method: clinical testing. Allele origin: germline.
Comment: This sequence change replaces isoleucine, which is neutral and non-polar, with threonine, which is neutral and polar, at codon 306 of the MEN1 protein (p.Ile306Thr). This variant is not present in population databases (gnomAD no frequency). This variant has not been reported in the literature in individuals affected with MEN1-related conditions. Invitae Evidence Modeling of protein sequence and biophysical properties (such as structural, functional, and spatial information, amino acid conservation, physicochemical variation, residue mobility, and thermodynamic stability) indicates that this missense variant is expected to disrupt MEN1 protein function with a positive predictive value of 95%. In summary, the available evidence is currently insufficient to determine the role of this variant in disease. Therefore, it has been classified as a Variant of Uncertain Significance.